The following is an entry in ClinVar:

ClinVar aggregate classification (germline): Uncertain significance. Review status: criteria provided, multiple submitters, no conflicts (2 of 4 stars). 2 submissions from 2 submitters: Uncertain significance (2). Last evaluated 2024-11-04.

Conditions:
Diffuse cerebral and cerebellar atrophy - intractable seizures - progressive microcephaly syndrome. Also called: Microcephaly, progressive, with seizures and cerebral and cerebellar atrophy. Identifiers: Orphanet 404437, MedGen C4014239, MONDO:0014335, OMIM 615760.

Allele frequency attached by ClinVar (database versions not stated): TOPMed below 0.00001; ExAC 0.00001.

Submissions (2):

Labcorp Genetics (formerly Invitae), Labcorp
Classification: Uncertain significance for Diffuse cerebral and cerebellar atrophy - intractable seizures - progressive microcephaly syndrome. Last evaluated: 2024-11-04. Review status: criteria provided, single submitter. Criteria: Invitae Variant Classification Sherloc (09022015). Collection method: clinical testing. Allele origin: germline.
Comment: This sequence change replaces phenylalanine, which is neutral and non-polar, with leucine, which is neutral and non-polar, at codon 299 of the QARS protein (p.Phe299Leu). This variant is present in population databases (rs762054345, gnomAD 0.003%). This variant has not been reported in the literature in individuals affected with QARS-related conditions. ClinVar contains an entry for this variant (Variation ID: 2181812). Invitae Evidence Modeling of protein sequence and biophysical properties (such as structural, functional, and spatial information, amino acid conservation, physicochemical variation, residue mobility, and thermodynamic stability) has been performed for this missense variant. However, the output from this modeling did not meet the statistical confidence thresholds required to predict the impact of this variant on QARS protein function. In summary, the available evidence is currently insufficient to determine the role of this variant in disease. Therefore, it has been classified as a Variant of Uncertain Significance.

GeneDx
Classification: Uncertain significance. Last evaluated: 2022-08-22. Review status: criteria provided, single submitter. Criteria: GeneDx Variant Classification Process June 2021. Collection method: clinical testing. Allele origin: germline. Affected: yes.
Comment: Not observed at significant frequency in large population cohorts (gnomAD); In silico analysis supports that this missense variant has a deleterious effect on protein structure/function; Has not been previously published as pathogenic or benign to our knowledge

NM_005051.3(QARS1):c.895T>C (p.Phe299Leu)

Gene: QARS1 (glutaminyl-tRNA synthetase 1; minus strand). Cytogenetic location: 3p21.31.
Variant type: single nucleotide variant.
Coding change: c.895T>C on transcript NM_005051.3 (MANE Select); coding-DNA position 895, T replaced by C.
Protein change: p.Phe299Leu; replaces phenylalanine 299 with leucine.
Molecular consequence: missense variant. On other transcripts: non-coding transcript variant (1).
Genome position (GRCh38, 1-based): chr3:49,100,656, A>G on the plus strand (T>C on the coding strand, the complement: QARS1 is on the minus strand). VCF-style: chr3-49100656-A-G. GRCh37 (hg19) VCF-style: chr3-49138089-A-G.
Other names: c.895T>C (NM_005051.2); c.862T>C, p.Phe288Leu (NM_001272073.2); short protein forms F288L, F299L.
Identifiers: ClinVar variation 2181812 (VCV002181812.4), dbSNP rs762054345, ClinGen allele CA2391946.
Genomic context (GRCh38, chr3:49,100,656, plus strand): 5'-AGATGGCCGTGAAGAACTTTGCTTCCTCCTTCTCAGGGTTGGTGTCATCAAAACGCAGAA[A>G]ACAGATGCCATTGTTGGCCTAGGAAAGTTGCACCATCTGTGAACTCCCACATCATCCATC-3'
Protein context (NP_005042.1, residues 289-309): GYAKANNGIC[Phe299Leu]LRFDDTNPEK